The following is an entry in ClinVar:

NM_014055.4(IFT81):c.1027C>A (p.Leu343Met)

Gene: IFT81 (intraflagellar transport 81; plus strand). Cytogenetic location: 12q24.11.
Variant type: single nucleotide variant.
Coding change: c.1027C>A on transcript NM_014055.4 (MANE Select); coding-DNA position 1027, C replaced by A.
Protein change: p.Leu343Met; replaces leucine 343 with methionine.
Molecular consequence: missense variant. On other transcripts: non-coding transcript variant (4).
Genome position (GRCh38, 1-based): chr12:110,147,034, C>A. VCF-style: chr12-110147034-C-A. GRCh37 (hg19) VCF-style: chr12-110584839-C-A.
Other names: c.1027C>A, p.Leu343Met (NM_001143779.2, NM_001347946.2, NM_031473.4); c.97C>A, p.Leu33Met (NM_001347947.2, NM_001347948.2); short protein forms L343M, L33M.
Identifiers: ClinVar variation 2000296 (VCV002000296.4), dbSNP rs544592519, ClinGen allele CA6783244.

ClinVar aggregate classification (germline): Uncertain significance (1 of 4 stars; one submission).

gnomAD v4.1: 5 of 1,609,152 alleles (0.00031%); highest among the groups gnomAD compares: Non-Finnish European, 0.00042%; no homozygotes.

Submission:

Labcorp Genetics (formerly Invitae), Labcorp
Classification: Uncertain significance. Last evaluated: 2022-05-29. Review status: criteria provided, single submitter. Criteria: Invitae Variant Classification Sherloc (09022015). Collection method: clinical testing. Allele origin: germline.
Comment: In summary, the available evidence is currently insufficient to determine the role of this variant in disease. Therefore, it has been classified as a Variant of Uncertain Significance. Algorithms developed to predict the effect of missense changes on protein structure and function are either unavailable or do not agree on the potential impact of this missense change (SIFT: "Tolerated"; PolyPhen-2: "Probably Damaging"; Align-GVGD: "Class C0"). This variant has not been reported in the literature in individuals affected with IFT81-related conditions. This variant is present in population databases (rs544592519, gnomAD 0.003%). This sequence change replaces leucine, which is neutral and non-polar, with methionine, which is neutral and non-polar, at codon 343 of the IFT81 protein (p.Leu343Met).